The following is an entry in ClinVar:

ClinVar aggregate classification (germline): Uncertain significance (1 of 4 stars; one submission).

Conditions:
Rhabdoid tumor predisposition syndrome 2 (RTPS2). Identifiers: Orphanet 231108, Orphanet 69077, MedGen C2750074, MONDO:0013224, OMIM 613325.

Allele frequency attached by ClinVar (database versions not stated): ExAC 0.00002; gnomAD exomes 0.00002.
gnomAD v4.1: 9 of 1,612,872 alleles (0.00056%); highest among the groups gnomAD compares: Non-Finnish European, 0.00076%; no homozygotes.

Submission:

Labcorp Genetics (formerly Invitae), Labcorp
Classification: Uncertain significance for Rhabdoid tumor predisposition syndrome 2. Last evaluated: 2024-02-13. Review status: criteria provided, single submitter. Criteria: Invitae Variant Classification Sherloc (09022015). Collection method: clinical testing. Allele origin: germline.
Comment: This sequence change replaces threonine, which is neutral and polar, with serine, which is neutral and polar, at codon 170 of the SMARCA4 protein (p.Thr170Ser). This variant is present in population databases (rs773273784, gnomAD 0.005%). This variant has not been reported in the literature in individuals affected with SMARCA4-related conditions. ClinVar contains an entry for this variant (Variation ID: 1044335). Advanced modeling of protein sequence and biophysical properties (such as structural, functional, and spatial information, amino acid conservation, physicochemical variation, residue mobility, and thermodynamic stability) performed at Invitae indicates that this missense variant is not expected to disrupt SMARCA4 protein function with a negative predictive value of 95%. In summary, the available evidence is currently insufficient to determine the role of this variant in disease. Therefore, it has been classified as a Variant of Uncertain Significance.

NM_003072.5(SMARCA4):c.508A>T (p.Thr170Ser)

Gene: SMARCA4 (SWI/SNF related BAF chromatin remodeling complex subunit ATPase 4; plus strand). Cytogenetic location: 19p13.2.
Variant type: single nucleotide variant.
Coding change: c.508A>T on transcript NM_003072.5 (MANE Select); coding-DNA position 508, A replaced by T.
Protein change: p.Thr170Ser; replaces threonine 170 with serine.
Molecular consequence: missense variant. On other transcripts: non-coding transcript variant (1).
Genome position (GRCh38, 1-based): chr19:10,986,341, A>T. VCF-style: chr19-10986341-A-T. GRCh37 (hg19) VCF-style: chr19-11097017-A-T.
Other names: c.508A>T, p.Thr170Ser (NM_001128844.3, NM_001128845.2, NM_001128846.2 and 5 more transcripts); short protein forms T170S.
Identifiers: ClinVar variation 1044335 (VCV001044335.8), dbSNP rs773273784, ClinGen allele CA9203520.